The following is an entry in ClinVar:

ClinVar aggregate classification (germline): Uncertain significance (1 of 4 stars; one submission).

Submission:

Ambry Genetics
Classification: Uncertain significance. Last evaluated: 2026-07-13. Review status: criteria provided, single submitter. Criteria: Ambry Variant Classification Scheme 2023. Collection method: clinical testing. Allele origin: germline.
Comment: The p.M775I variant (also known as c.2325G>A), located in coding exon 22 of the RASA2 gene, results from a G to A substitution at nucleotide position 2325. The methionine at codon 775 is replaced by isoleucine, an amino acid with highly similar properties. This amino acid position is conserved. In addition, this alteration is predicted to be tolerated by in silico analysis. Based on the available evidence, the clinical significance of this variant remains unclear.

NM_006506.5(RASA2):c.2325G>A (p.Met775Ile)

Gene: RASA2 (RAS p21 protein activator 2; plus strand). Cytogenetic location: 3q23.
Variant type: single nucleotide variant.
Coding change: c.2325G>A on transcript NM_006506.5 (MANE Select); coding-DNA position 2325, G replaced by A.
Protein change: p.Met775Ile; replaces methionine 775 with isoleucine.
Molecular consequence: missense variant.
Genome position (GRCh38, 1-based): chr3:141,609,519, G>A. VCF-style: chr3-141609519-G-A. GRCh37 (hg19) VCF-style: chr3-141328361-G-A.
Other names: c.2328G>A, p.Met776Ile (NM_001303245.3); c.2337G>A, p.Met779Ile (NM_001303246.3); short protein forms M775I, M776I, M779I.
Identifiers: ClinVar variation 5027886 (VCV005027886.1).